The following is an entry in ClinVar:

NM_000124.4(ERCC6):c.3957dup (p.Ile1320fs)

Gene: ERCC6 (ERCC excision repair 6, chromatin remodeling factor; minus strand). Cytogenetic location: 10q11.23.
Variant type: Duplication.
Coding change: c.3957dup on transcript NM_000124.4 (MANE Select); coding-DNA position 3957, one base duplicated (G; older notation c.3957dupG).
Protein change: p.Ile1320fs; shifts the reading frame from isoleucine 1320.
Molecular consequence: frameshift variant.
Genome position (GRCh38, 1-based): chr10:49,461,378, C duplicated on the plus strand (G on the coding strand, the reverse complement: ERCC6 is on the minus strand); the first of 5 consecutive C bases (chr10:49,461,378-49,461,382); duplicating any one gives the same sequence. VCF-style (leftmost placement, unchanged base first): chr10-49461377-T-TC. GRCh37 (hg19) VCF-style: chr10-50669423-T-TC.
Other names: c.3957dup, p.Ile1320fs (NM_001346440.2); short protein forms I1320fs.
Identifiers: ClinVar variation 2016462 (VCV002016462.4), dbSNP rs1554874073, ClinGen allele CA2580081571.

ClinVar aggregate classification (germline): Pathogenic (1 of 4 stars; one submission).

Submission:

Labcorp Genetics (formerly Invitae), Labcorp
Classification: Pathogenic. Last evaluated: 2022-07-22. Review status: criteria provided, single submitter. Criteria: Invitae Variant Classification Sherloc (09022015). Collection method: clinical testing. Allele origin: germline.
Comment: This variant is not present in population databases (gnomAD no frequency). This sequence change creates a premature translational stop signal (p.Ile1320Aspfs*11) in the ERCC6 gene. It is expected to result in an absent or disrupted protein product. Loss-of-function variants in ERCC6 are known to be pathogenic (PMID: 18628313, 29572252). This variant has not been reported in the literature in individuals affected with ERCC6-related conditions. For these reasons, this variant has been classified as Pathogenic.

Literature cited by the submitters: PubMed 18628313; PubMed 29572252.